The following is an entry in ClinVar:

ClinVar aggregate classification (germline): Uncertain significance (1 of 4 stars; one submission).

Conditions:
Familial acute necrotizing encephalopathy (IIAE3). Also called: ENCEPHALOPATHY, ACUTE, INFECTION-INDUCED, SUSCEPTIBILITY TO, 3; Susceptibility to Acute Necrotizing Encephalopathy 1. Identifiers: Orphanet 88619, MedGen C2675556, MONDO:0011953, OMIM 608033.

Allele frequency attached by ClinVar (database versions not stated): gnomAD exomes 0.00001 and 0.00002; TOPMed 0.00003.
gnomAD v4.1: 7 of 1,614,004 alleles (0.00043%); highest among the groups gnomAD compares: Admixed American, 0.012%; no homozygotes.

Submission:

Labcorp Genetics (formerly Invitae), Labcorp
Classification: Uncertain significance for Familial acute necrotizing encephalopathy. Last evaluated: 2022-11-08. Review status: criteria provided, single submitter. Criteria: Invitae Variant Classification Sherloc (09022015). Collection method: clinical testing. Allele origin: germline.
Comment: In summary, the available evidence is currently insufficient to determine the role of this variant in disease. Therefore, it has been classified as a Variant of Uncertain Significance. Algorithms developed to predict the effect of missense changes on protein structure and function (SIFT, PolyPhen-2, Align-GVGD) all suggest that this variant is likely to be tolerated. ClinVar contains an entry for this variant (Variation ID: 946440). This variant has not been reported in the literature in individuals affected with RANBP2-related conditions. This variant is present in population databases (no rsID available, gnomAD 0.01%). This sequence change replaces phenylalanine, which is neutral and non-polar, with leucine, which is neutral and non-polar, at codon 1395 of the RANBP2 protein (p.Phe1395Leu).

NM_006267.5(RANBP2):c.4183T>C (p.Phe1395Leu)

Gene: RANBP2 (RAN binding protein 2; plus strand). Cytogenetic location: 2q13.
Variant type: single nucleotide variant.
Coding change: c.4183T>C on transcript NM_006267.5 (MANE Select); coding-DNA position 4183, T replaced by C.
Protein change: p.Phe1395Leu; replaces phenylalanine 1395 with leucine.
Molecular consequence: missense variant.
Genome position (GRCh38, 1-based): chr2:108,764,722, T>C. VCF-style: chr2-108764722-T-C. GRCh37 (hg19) VCF-style: chr2-109381178-T-C.
Other names: short protein forms F1395L.
Identifiers: ClinVar variation 946440 (VCV000946440.10), dbSNP rs1157711861, ClinGen allele CA348065904.
Genomic context (GRCh38, chr2:108,764,722, plus strand): 5'-TGCCAAAATCTAAACCCAAGCAATAAAGAGCTCGTTGGCCCACCATTAGCTGAAACTGTT[T>C]TTACTCCTAAAACCAGCCCAGAGAATGTTCAAGATCGATTTGCATTGGTGACTCCAAAGA-3'
Protein context (NP_006258.3, residues 1385-1405): LVGPPLAETV[Phe1395Leu]TPKTSPENVQ